The following is an entry in ClinVar:

NM_000059.4(BRCA2):c.7184_7187del (p.His2395fs)

Gene: BRCA2 (BRCA2 DNA repair associated; plus strand). Cytogenetic location: 13q13.1.
Variant type: Deletion.
Coding change: c.7184_7187del on transcript NM_000059.4 (MANE Select); coding-DNA positions 7184 to 7187, 4 bases deleted (ACTT; older notation c.7184_7187delACTT).
Protein change: p.His2395fs; shifts the reading frame from histidine 2395.
Molecular consequence: frameshift variant.
Genome position (GRCh38, 1-based): chr13:32,355,037-32,355,040, ACTT deleted. VCF-style (leftmost placement, unchanged base first): chr13-32355036-CACTT-C. GRCh37 (hg19) VCF-style: chr13-32929173-CACTT-C.
Other names: c.7184_7187delACTT (NM_000059.3).
Identifiers: ClinVar variation 254598 (VCV000254598.3), dbSNP rs886038162, ClinGen allele CA10586569.
Genomic context (GRCh38, chr13:32,355,036, plus strand): 5'-TTAGCAGTTTCAGGACATCCATTTTATCAAGTTTCTGCTACAAGAAATGAAAAAATGAGA[CACTT>C]GATTACTACAGGCAGACCAACCAAAGTCTTTGTTCCACCTTTTAAAACTAAATCACATTT-3'

ClinVar aggregate classification (germline): Pathogenic. Review status: reviewed by expert panel (3 of 4 stars). 2 submissions from 2 submitters: Pathogenic (1). 1 of the submissions does not count toward it. Last evaluated 2016-09-08.

Conditions:
Breast-ovarian cancer, familial, susceptibility to, 2 (BROVCA2). Also called: BRCA2 Hereditary Breast and Ovarian Cancer. Identifiers: Orphanet 145, MedGen C2675520, MONDO:0012933, OMIM 612555. Disease mechanism: loss of function.

Submissions (2):

Evidence-based Network for the Interpretation of Germline Mutant Alleles (ENIGMA)
Classification: Pathogenic for Breast-ovarian cancer, familial, susceptibility to, 2. Last evaluated: 2016-09-08. Review status: reviewed by expert panel. Criteria: ENIGMA BRCA1/2 Classification Criteria (2015). Collection method: curation. Allele origin: germline.
Comment: Variant allele predicted to encode a truncated non-functional protein.

Consortium of Investigators of Modifiers of BRCA1/2 (CIMBA), c/o University of Cambridge
Classification: Pathogenic for Breast-ovarian cancer, familial, susceptibility to, 2. Last evaluated: 2015-10-02. Review status: criteria provided, single submitter. Criteria: CIMBA Mutation Classification guidelines May 2016. Collection method: clinical testing. Allele origin: germline. Not counted in ClinVar's aggregate classification.